The following is an entry in ClinVar:

NM_005591.4(MRE11):c.173G>A (p.Gly58Asp)

Gene: MRE11 (MRE11 double strand break repair nuclease; minus strand). Cytogenetic location: 11q21.
Variant type: single nucleotide variant.
Coding change: c.173G>A on transcript NM_005591.4 (MANE Select); coding-DNA position 173, G replaced by A.
Protein change: p.Gly58Asp; replaces glycine 58 with aspartic acid.
Molecular consequence: missense variant.
Genome position (GRCh38, 1-based): chr11:94,486,065, C>T on the plus strand (G>A on the coding strand, the complement: MRE11 is on the minus strand). VCF-style: chr11-94486065-C-T. GRCh37 (hg19) VCF-style: chr11-94219231-C-T.
Other names: c.173G>A (NM_005591.3); c.173G>A, p.Gly58Asp (NM_001330347.2, NM_005590.4); short protein forms G58D.
Identifiers: ClinVar variation 1681638 (VCV001681638.7), dbSNP rs1482890077, ClinGen allele CA382379902.

ClinVar aggregate classification (germline): Uncertain significance. Review status: criteria provided, multiple submitters, no conflicts (2 of 4 stars). 2 submissions from 2 submitters: Uncertain significance (2). Last evaluated 2025-02-27.

Conditions:
Ataxia-telangiectasia-like disorder (ATLD). Identifiers: MedGen C1858391, MONDO:0011457.
Hereditary cancer-predisposing syndrome. Also called: Hereditary neoplastic syndrome; Neoplastic Syndromes, Hereditary; Tumor predisposition; Hereditary Cancer Syndrome. Identifiers: Orphanet 140162, MedGen C0027672, MeSH D009386, MONDO:0015356.

Allele frequency attached by ClinVar (database versions not stated): TOPMed below 0.00001.
gnomAD v4.1: 1 of 1,613,484 alleles (0.000062%); highest among the groups gnomAD compares: Non-Finnish European, 0.000085%; no homozygotes.

Submissions (2):

Ambry Genetics
Classification: Uncertain significance for Hereditary cancer-predisposing syndrome. Last evaluated: 2025-02-27. Review status: criteria provided, single submitter. Criteria: Ambry Variant Classification Scheme 2023. Collection method: clinical testing. Allele origin: germline.
Comment: The p.G58D variant (also known as c.173G>A), located in coding exon 3 of the MRE11A gene, results from a G to A substitution at nucleotide position 173. The glycine at codon 58 is replaced by aspartic acid, an amino acid with similar properties. This amino acid position is conserved. In addition, this alteration is predicted to be deleterious by in silico analysis. Based on the available evidence, the clinical significance of this variant remains unclear.

Labcorp Genetics (formerly Invitae), Labcorp
Classification: Uncertain significance for Ataxia-telangiectasia-like disorder. Last evaluated: 2022-11-15. Review status: criteria provided, single submitter. Criteria: Invitae Variant Classification Sherloc (09022015). Collection method: clinical testing. Allele origin: germline.
Comment: ClinVar contains an entry for this variant (Variation ID: 1681638). This variant has not been reported in the literature in individuals affected with MRE11-related conditions. This variant is not present in population databases (gnomAD no frequency). This sequence change replaces glycine, which is neutral and non-polar, with aspartic acid, which is acidic and polar, at codon 58 of the MRE11 protein (p.Gly58Asp). Algorithms developed to predict the effect of missense changes on protein structure and function are either unavailable or do not agree on the potential impact of this missense change (SIFT: "Deleterious"; PolyPhen-2: "Probably Damaging"; Align-GVGD: "Class C0"). In summary, the available evidence is currently insufficient to determine the role of this variant in disease. Therefore, it has been classified as a Variant of Uncertain Significance. Algorithms developed to predict the effect of sequence changes on RNA splicing suggest that this variant may disrupt the consensus splice site.